The following is an entry in ClinVar:

NM_001040108.2(MLH3):c.2168T>C (p.Val723Ala)

Gene: MLH3 (mutL homolog 3; minus strand). Cytogenetic location: 14q24.3.
Variant type: single nucleotide variant.
Coding change: c.2168T>C on transcript NM_001040108.2 (MANE Select); coding-DNA position 2168, T replaced by C.
Protein change: p.Val723Ala; replaces valine 723 with alanine.
Molecular consequence: missense variant.
Genome position (GRCh38, 1-based): chr14:75,047,488, A>G on the plus strand (T>C on the coding strand, the complement: MLH3 is on the minus strand). VCF-style: chr14-75047488-A-G. GRCh37 (hg19) VCF-style: chr14-75514191-A-G.
Other names: c.2168T>C, p.Val723Ala (NM_014381.3); short protein forms V723A.
Identifiers: ClinVar variation 1375590 (VCV001375590.6), dbSNP rs2139568094, ClinGen allele CA390441353.

ClinVar aggregate classification (germline): Uncertain significance (1 of 4 stars; one submission).

Conditions:
Colorectal cancer, hereditary nonpolyposis, type 7. Identifiers: Orphanet 144, MedGen C1858380, MONDO:0013725, OMIM 614385.

Submission:

Labcorp Genetics (formerly Invitae), Labcorp
Classification: Uncertain significance for Colorectal cancer, hereditary nonpolyposis, type 7. Last evaluated: 2021-08-17. Review status: criteria provided, single submitter. Criteria: Invitae Variant Classification Sherloc (09022015). Collection method: clinical testing. Allele origin: germline.
Comment: This sequence change replaces valine with alanine at codon 723 of the MLH3 protein (p.Val723Ala). The valine residue is weakly conserved and there is a small physicochemical difference between valine and alanine. This variant is not present in population databases (ExAC no frequency). This variant has not been reported in the literature in individuals affected with MLH3-related conditions. Algorithms developed to predict the effect of missense changes on protein structure and function output the following: SIFT: "Deleterious"; PolyPhen-2: "Benign"; Align-GVGD: "Class C0". The alanine amino acid residue is found in multiple mammalian species, which suggests that this missense change does not adversely affect protein function. In summary, the available evidence is currently insufficient to determine the role of this variant in disease. Therefore, it has been classified as a Variant of Uncertain Significance.